The following is an entry in ClinVar:

NM_020461.4(TUBGCP6):c.268del (p.Glu90fs)

Gene: TUBGCP6 (tubulin gamma complex component 6; minus strand). Cytogenetic location: 22q13.33.
Variant type: Deletion.
Coding change: c.268del on transcript NM_020461.4 (MANE Select); coding-DNA position 268, one base deleted (G; older notation c.268delG).
Protein change: p.Glu90fs; shifts the reading frame from glutamic acid 90.
Molecular consequence: frameshift variant.
Genome position (GRCh38, 1-based): chr22:50,244,192, C deleted on the plus strand (G on the coding strand, the reverse complement: TUBGCP6 is on the minus strand); the first of 2 consecutive C bases (chr22:50,244,192-50,244,193); deleting either gives the same sequence. VCF-style (leftmost placement, unchanged base first): chr22-50244191-TC-T. GRCh37 (hg19) VCF-style: chr22-50682620-TC-T.
Other names: short protein forms E90fs.
Identifiers: ClinVar variation 2776227 (VCV002776227.3), dbSNP rs2064887539, ClinGen allele CA1026640535.

ClinVar aggregate classification (germline): Pathogenic (1 of 4 stars; one submission).

Submission:

Labcorp Genetics (formerly Invitae), Labcorp
Classification: Pathogenic. Last evaluated: 2023-06-03. Review status: criteria provided, single submitter. Criteria: Invitae Variant Classification Sherloc (09022015). Collection method: clinical testing. Allele origin: germline.
Comment: For these reasons, this variant has been classified as Pathogenic. This variant has not been reported in the literature in individuals affected with TUBGCP6-related conditions. This variant is not present in population databases (gnomAD no frequency). This sequence change creates a premature translational stop signal (p.Glu90Argfs*64) in the TUBGCP6 gene. It is expected to result in an absent or disrupted protein product. Loss-of-function variants in TUBGCP6 are known to be pathogenic (PMID: 25344692).

Literature cited by the submitters: PubMed 25344692.